The following is an entry in ClinVar:

NM_000548.5(TSC2):c.4091C>G (p.Ser1364Cys)

Gene: TSC2 (TSC complex subunit 2; plus strand). Cytogenetic location: 16p13.3.
Variant type: single nucleotide variant.
Coding change: c.4091C>G on transcript NM_000548.5 (MANE Select); coding-DNA position 4091, C replaced by G.
Protein change: p.Ser1364Cys; replaces serine 1364 with cysteine.
Molecular consequence: missense variant.
Genome position (GRCh38, 1-based): chr16:2,084,313, C>G. VCF-style: chr16-2084313-C-G. GRCh37 (hg19) VCF-style: chr16-2134314-C-G.
Other names: c.3890C>G, p.Ser1297Cys (NM_001077183.3); c.4022C>G, p.Ser1341Cys (NM_001114382.3); c.3782C>G, p.Ser1261Cys (NM_001318827.2); c.3980C>G, p.Ser1327Cys (NM_001406668.1); c.3911C>G, p.Ser1304Cys (NM_001406670.1); c.3881C>G, p.Ser1294Cys (NM_001406671.1); c.3878C>G, p.Ser1293Cys (NM_001406673.1); c.3875C>G, p.Ser1292Cys (NM_001406675.1); and 26 more; short protein forms S1120C, S1140C, S1291C, S1320C, S1327C, S1364C, S893C, S1141C.
Identifiers: ClinVar variation 1737749 (VCV001737749.5), dbSNP rs1245757559, ClinGen allele CA394299463.

ClinVar aggregate classification (germline): Uncertain significance. Review status: criteria provided, multiple submitters, no conflicts (2 of 4 stars). 2 submissions from 2 submitters: Uncertain significance (2). Last evaluated 2024-03-20.

Conditions:
Hereditary cancer-predisposing syndrome. Also called: Neoplastic Syndromes, Hereditary; Tumor predisposition; Hereditary Cancer Syndrome; Hereditary neoplastic syndrome. Identifiers: Orphanet 140162, MedGen C0027672, MeSH D009386, MONDO:0015356.
Tuberous sclerosis 2 (TSC2). Identifiers: Orphanet 805, MedGen C1860707, MONDO:0013199, OMIM 613254.

Submissions (2):

Labcorp Genetics (formerly Invitae), Labcorp
Classification: Uncertain significance for Tuberous sclerosis 2. Last evaluated: 2024-03-20. Review status: criteria provided, single submitter. Criteria: Invitae Variant Classification Sherloc (09022015). Collection method: clinical testing. Allele origin: germline.
Comment: This sequence change replaces serine, which is neutral and polar, with cysteine, which is neutral and slightly polar, at codon 1364 of the TSC2 protein (p.Ser1364Cys). This variant is not present in population databases (gnomAD no frequency). This variant has not been reported in the literature in individuals affected with TSC2-related conditions. ClinVar contains an entry for this variant (Variation ID: 1737749). Advanced modeling of protein sequence and biophysical properties (such as structural, functional, and spatial information, amino acid conservation, physicochemical variation, residue mobility, and thermodynamic stability) performed at Invitae indicates that this missense variant is not expected to disrupt TSC2 protein function with a negative predictive value of 95%. In summary, the available evidence is currently insufficient to determine the role of this variant in disease. Therefore, it has been classified as a Variant of Uncertain Significance.

Ambry Genetics
Classification: Uncertain significance for Hereditary cancer-predisposing syndrome. Last evaluated: 2022-07-21. Review status: criteria provided, single submitter. Criteria: Ambry Variant Classification Scheme 2023. Collection method: clinical testing. Allele origin: germline.
Comment: The p.S1364C variant (also known as c.4091C>G), located in coding exon 33 of the TSC2 gene, results from a C to G substitution at nucleotide position 4091. The serine at codon 1364 is replaced by cysteine, an amino acid with dissimilar properties. This amino acid position is conserved. In addition, the in silico prediction for this alteration is inconclusive. Since supporting evidence is limited at this time, the clinical significance of this alteration remains unclear.